The following is an entry in ClinVar:

ClinVar aggregate classification (germline): Uncertain significance (1 of 4 stars; one submission).

Allele frequency attached by ClinVar (database versions not stated): TOPMed below 0.00001; gnomAD 0.00001.
gnomAD v4.1: 1 of 1,612,382 alleles (0.000062%); highest among the groups gnomAD compares: African/African-American, 0.0013%; no homozygotes.

Submission:

Labcorp Genetics (formerly Invitae), Labcorp
Classification: Uncertain significance. Last evaluated: 2023-08-29. Review status: criteria provided, single submitter. Criteria: Invitae Variant Classification Sherloc (09022015). Collection method: clinical testing. Allele origin: germline.
Comment: In summary, the available evidence is currently insufficient to determine the role of this variant in disease. Therefore, it has been classified as a Variant of Uncertain Significance. Variants that disrupt the consensus splice site are a relatively common cause of aberrant splicing (PMID: 17576681, 9536098). Algorithms developed to predict the effect of sequence changes on RNA splicing suggest that this variant may create or strengthen a splice site. This variant has not been reported in the literature in individuals affected with GATAD2B-related conditions. This variant is not present in population databases (gnomAD no frequency). This sequence change falls in intron 8 of the GATAD2B gene. It does not directly change the encoded amino acid sequence of the GATAD2B protein. It affects a nucleotide within the consensus splice site.

Literature cited by the submitters: PubMed 17576681; PubMed 9536098.

NM_020699.4(GATAD2B):c.1419+4A>G

Gene: GATAD2B (GATA zinc finger domain containing 2B; minus strand). Cytogenetic location: 1q21.3.
Variant type: single nucleotide variant.
Coding change: c.1419+4A>G on transcript NM_020699.4 (MANE Select); 4 bases into the intron after coding-DNA position 1419, A replaced by G.
Molecular consequence: intron variant.
Genome position (GRCh38, 1-based): chr1:153,813,246, T>C on the plus strand (A>G on the coding strand, the complement: GATAD2B is on the minus strand). VCF-style: chr1-153813246-T-C. GRCh37 (hg19) VCF-style: chr1-153785722-T-C.
Identifiers: ClinVar variation 2811326 (VCV002811326.3), dbSNP rs1340826383, ClinGen allele CA889538502.